The following is an entry in ClinVar:

NM_172362.3(KCNH1):c.2500C>T (p.Arg834Cys)

Gene: KCNH1 (potassium voltage-gated channel subfamily H member 1; minus strand). Cytogenetic location: 1q32.2.
Variant type: single nucleotide variant.
Coding change: c.2500C>T on transcript NM_172362.3 (MANE Select); coding-DNA position 2500, C replaced by T.
Protein change: p.Arg834Cys; replaces arginine 834 with cysteine.
Molecular consequence: missense variant.
Genome position (GRCh38, 1-based): chr1:210,683,751, G>A on the plus strand (C>T on the coding strand, the complement: KCNH1 is on the minus strand). VCF-style: chr1-210683751-G-A. GRCh37 (hg19) VCF-style: chr1-210857093-G-A.
Other names: c.2419C>T, p.Arg807Cys (NM_002238.4); c.2500C>T (NM_172362.2); short protein forms R834C, R807C.
Identifiers: ClinVar variation 1402832 (VCV001402832.9), dbSNP rs1363207852, ClinGen allele CA344871062.
Genomic context (GRCh38, chr1:210,683,751, plus strand): 5'-ACACCTTGTTCCAGTCCTCACTCTTCCCGCAAGCATCTTTGAAGCGGGCCCAGCTTTTGC[G>A]CTTGGCACAATCGCCCCCGCCCCCCTTGGGGCCCAGGCACTCGGACCCTGGCGCCTGTAG-3'
Protein context (NP_758872.1, residues 824-844): PKGGGGDCAK[Arg834Cys]KSWARFKDAC

ClinVar aggregate classification (germline): Conflicting classifications of pathogenicity. Review status: criteria provided, conflicting classifications (1 of 4 stars). 3 submissions from 3 submitters: Uncertain significance (1); Likely benign (2). Last evaluated 2026-02-14.

Conditions:
KCNH1-related disorder. Also called: KCNH1-related disorders; KCNH1-related condition.
Zimmermann-Laband syndrome 1 (ZLS1). Identifiers: Orphanet 3473, MedGen C4551773, MONDO:0024526, OMIM 135500.

Allele frequency attached by ClinVar (database versions not stated): gnomAD exomes below 0.00001 and 0.00001; gnomAD 0.00001; TOPMed 0.00001.

Submissions (3):

Centre for Medical Genetics,  Mumbai
Classification: Likely benign for Zimmermann-Laband syndrome 1. Last evaluated: 2026-02-14. Review status: criteria provided, single submitter. Criteria: ACMG Guidelines, 2015. Collection method: provider interpretation. Allele origin: germline. Inheritance: Autosomal dominant inheritance. Affected: no. Observed: 1 variant allele, 1 heterozygote.
Comment: The variant satisfies PM2 criteria - extremely low frequency in gnomAD population databases. The variant satisfies PP2 criteria - missense variant in a gene with low rate of benign missense mutations and for which missense mutation is a common mechanism of a disease. The variant satisfies BP6 criteria - reputable source recently reports variant as benign, but the evidence is not available to the laboratory to perform an independent evaluation. However, the variant satisfies BS2 criteria - present in heterozygous state in an individual that clinically does not have Zimmermann-Laband syndrome 1.

Labcorp Genetics (formerly Invitae), Labcorp
Classification: Likely benign. Last evaluated: 2023-04-05. Review status: criteria provided, single submitter. Criteria: Invitae Variant Classification Sherloc (09022015). Collection method: clinical testing. Allele origin: germline.

PreventionGenetics, part of Exact Sciences
Classification: Uncertain significance for KCNH1-related condition. Last evaluated: 2023-03-08. Review status: criteria provided, single submitter. Criteria: ACMG Guidelines, 2015. Collection method: clinical testing. Allele origin: germline.
Comment: The KCNH1 c.2500C>T variant is predicted to result in the amino acid substitution p.Arg834Cys. To our knowledge, this variant has not been reported in the literature. This variant is reported in 0.0046% of alleles in individuals of European (Finnish) descent in gnomAD. At this time, the clinical significance of this variant is uncertain due to the absence of conclusive functional and genetic evidence.

Literature cited by the submitters: PubMed 25915598 (cited by Centre for Medical Genetics,  Mumbai).